The following is an entry in ClinVar:

NM_000548.5(TSC2):c.3749A>G (p.Tyr1250Cys)

Gene: TSC2 (TSC complex subunit 2; plus strand). Cytogenetic location: 16p13.3.
Variant type: single nucleotide variant.
Coding change: c.3749A>G on transcript NM_000548.5 (MANE Select); coding-DNA position 3749, A replaced by G.
Protein change: p.Tyr1250Cys; replaces tyrosine 1250 with cysteine.
Molecular consequence: missense variant.
Genome position (GRCh38, 1-based): chr16:2,081,733, A>G. VCF-style: chr16-2081733-A-G. GRCh37 (hg19) VCF-style: chr16-2131734-A-G.
Other names: c.3617A>G, p.Tyr1206Cys (NM_001077183.3, NM_001370404.1); c.3749A>G, p.Tyr1250Cys (NM_001114382.3); c.3509A>G, p.Tyr1170Cys (NM_001318827.2); c.3473A>G, p.Tyr1158Cys (NM_001318829.2); c.3017A>G, p.Tyr1006Cys (NM_001318831.2); c.3650A>G, p.Tyr1217Cys (NM_001318832.2); c.3620A>G, p.Tyr1207Cys (NM_001363528.2, NM_001370405.1, NM_021055.3); short protein forms Y1207C, Y1006C, Y1158C, Y1170C, Y1250C, Y1217C, Y1206C.
Identifiers: ClinVar variation 645453 (VCV000645453.8), dbSNP rs1596400479, ClinGen allele CA394293088.

ClinVar aggregate classification (germline): Uncertain significance (1 of 4 stars; one submission).

Conditions:
Tuberous sclerosis 2 (TSC2). Identifiers: Orphanet 805, MedGen C1860707, MONDO:0013199, OMIM 613254.

Submission:

Labcorp Genetics (formerly Invitae), Labcorp
Classification: Uncertain significance for Tuberous sclerosis 2. Last evaluated: 2018-09-26. Review status: criteria provided, single submitter. Criteria: Invitae Variant Classification Sherloc (09022015). Collection method: clinical testing. Allele origin: germline.
Comment: This variant has not been reported in the literature in individuals with TSC2-related disease. Algorithms developed to predict the effect of missense changes on protein structure and function are either unavailable or do not agree on the potential impact of this missense change (SIFT: "Tolerated"; PolyPhen-2: "Possibly Damaging"; Align-GVGD: "Class C0"). In summary, the available evidence is currently insufficient to determine the role of this variant in disease. Therefore, it has been classified as a Variant of Uncertain Significance. This variant is not present in population databases (ExAC no frequency). This sequence change replaces tyrosine with cysteine at codon 1250 of the TSC2 protein (p.Tyr1250Cys). The tyrosine residue is moderately conserved and there is a large physicochemical difference between tyrosine and cysteine.